The following is an entry in ClinVar:

ClinVar aggregate classification (germline): Uncertain significance (1 of 4 stars; one submission).

Conditions:
Cystic fibrosis (CF). Also called: MUCOVISCIDOSIS. Identifiers: Orphanet 586, MedGen C0010674, MONDO:0009061, OMIM 219700. Disease mechanism: loss of function.

Allele frequency attached by ClinVar (database versions not stated): gnomAD 0.00001.
gnomAD v4.1: 1 of 1,613,126 alleles (0.000062%); highest among the groups gnomAD compares: Admixed American, 0.0017%; no homozygotes.

Submission:

Labcorp Genetics (formerly Invitae), Labcorp
Classification: Uncertain significance for Cystic fibrosis. Last evaluated: 2020-01-27. Review status: criteria provided, single submitter. Criteria: Invitae Variant Classification Sherloc (09022015). Collection method: clinical testing. Allele origin: germline.
Comment: This sequence change replaces aspartic acid with glutamic acid at codon 1214 of the CFTR protein (p.Asp1214Glu). The aspartic acid residue is moderately conserved and there is a small physicochemical difference between aspartic acid and glutamic acid. This variant is not present in population databases (ExAC no frequency). This variant has not been reported in the literature in individuals with CFTR-related disease. Algorithms developed to predict the effect of missense changes on protein structure and function (SIFT, PolyPhen-2, Align-GVGD) all suggest that this variant is likely to be tolerated, but these predictions have not been confirmed by published functional studies and their clinical significance is uncertain. In summary, the available evidence is currently insufficient to determine the role of this variant in disease. Therefore, it has been classified as a Variant of Uncertain Significance.

NM_000492.4(CFTR):c.3642T>A (p.Asp1214Glu)

Genes: CFTR (CF transmembrane conductance regulator; plus strand), CFTR-AS2 (CFTR antisense RNA 2; minus strand). Cytogenetic location: 7q31.2.
Variant type: single nucleotide variant.
Coding change: c.3642T>A on transcript NM_000492.4 (MANE Select); coding-DNA position 3642, T replaced by A.
Protein change: p.Asp1214Glu; replaces aspartic acid 1214 with glutamic acid.
Molecular consequence: missense variant.
Genome position (GRCh38, 1-based): chr7:117,627,695, T>A. VCF-style: chr7-117627695-T-A. GRCh37 (hg19) VCF-style: chr7-117267749-T-A.
Other names: short protein forms D1214E.
Identifiers: ClinVar variation 657031 (VCV000657031.8), dbSNP rs1584830230, ClinGen allele CA368997308.
Genomic context (GRCh38, chr7:117,627,695, plus strand): 5'-GAATTCACACGTGAAGAAAGATGACATCTGGCCCTCAGGGGGCCAAATGACTGTCAAAGA[T>A]CTCACAGCAAAATACACAGAAGGTGGAAATGCCATATTAGAGAACATTTCCTTCTCAATA-3'
Protein context (NP_000483.3, residues 1204-1224): WPSGGQMTVK[Asp1214Glu]LTAKYTEGGN